The following is an entry in ClinVar:

ClinVar aggregate classification (germline): Uncertain significance (1 of 4 stars; one submission).

Conditions:
Long QT syndrome (LQTS). Identifiers: MedGen C0023976, MeSH D008133, MONDO:0002442. Disease mechanism: loss of function. Inheritance: Various modes of inheritance.

Allele frequency attached by ClinVar (database versions not stated): gnomAD exomes below 0.00001; TOPMed below 0.00001; gnomAD 0.00001.
gnomAD v4.1: 2 of 1,613,168 alleles (0.00012%); highest among the groups gnomAD compares: Non-Finnish European, 0.00017%; no homozygotes.

Submission:

Labcorp Genetics (formerly Invitae), Labcorp
Classification: Uncertain significance for Long QT syndrome. Last evaluated: 2023-08-17. Review status: criteria provided, single submitter. Criteria: Invitae Variant Classification Sherloc (09022015). Collection method: clinical testing. Allele origin: germline.
Comment: In summary, the available evidence is currently insufficient to determine the role of this variant in disease. Therefore, it has been classified as a Variant of Uncertain Significance. Algorithms developed to predict the effect of missense changes on protein structure and function output the following: SIFT: "Not Available"; PolyPhen-2: "Possibly Damaging"; Align-GVGD: "Not Available". The methionine amino acid residue is found in multiple mammalian species, which suggests that this missense change does not adversely affect protein function. ClinVar contains an entry for this variant (Variation ID: 1379447). This variant has not been reported in the literature in individuals affected with AKAP9-related conditions. This variant is not present in population databases (gnomAD no frequency). This sequence change replaces isoleucine, which is neutral and non-polar, with methionine, which is neutral and non-polar, at codon 2038 of the AKAP9 protein (p.Ile2038Met).

NM_005751.5(AKAP9):c.6114A>G (p.Ile2038Met)

Gene: AKAP9 (A-kinase anchoring protein 9; plus strand). Cytogenetic location: 7q21.2.
Variant type: single nucleotide variant.
Coding change: c.6114A>G on transcript NM_005751.5 (MANE Select); coding-DNA position 6114, A replaced by G.
Protein change: p.Ile2038Met; replaces isoleucine 2038 with methionine.
Molecular consequence: missense variant.
Genome position (GRCh38, 1-based): chr7:92,065,367, A>G. VCF-style: chr7-92065367-A-G. GRCh37 (hg19) VCF-style: chr7-91694681-A-G.
Other names: c.759A>G, p.Ile253Met (NM_001379277.1); c.6114A>G, p.Ile2038Met (NM_147185.3); short protein forms I2038M, I253M.
Identifiers: ClinVar variation 1379447 (VCV001379447.8), dbSNP rs1463117870, ClinGen allele CA368132617.